The following is an entry in ClinVar:

NM_003403.5(YY1):c.572G>C (p.Gly191Ala)

Gene: YY1 (YY1 transcription factor; plus strand). Cytogenetic location: 14q32.2.
Variant type: single nucleotide variant.
Coding change: c.572G>C on transcript NM_003403.5 (MANE Select); coding-DNA position 572, G replaced by C.
Protein change: p.Gly191Ala; replaces glycine 191 with alanine.
Molecular consequence: missense variant.
Genome position (GRCh38, 1-based): chr14:100,239,816, G>C. VCF-style: chr14-100239816-G-C. GRCh37 (hg19) VCF-style: chr14-100706153-G-C.
Other names: short protein forms G191A.
Identifiers: ClinVar variation 2644522 (VCV002644522.25), dbSNP rs772586727, ClinGen allele CA7344043.

ClinVar aggregate classification (germline): Benign/Likely benign. Review status: criteria provided, multiple submitters, no conflicts (2 of 4 stars). 3 submissions from 3 submitters: Benign (1); Likely benign (1). 1 of the submissions does not count toward it. Last evaluated 2026-01-01.

Conditions:
YY1-related disorder. Also called: YY1-related condition.

Allele frequency attached by ClinVar (database versions not stated): 1000 Genomes Project 30x 0.00047; TOPMed 0.00108; gnomAD 0.00121; ExAC 0.00369.
gnomAD v4.1: 3,096 of 1,481,132 alleles (0.21%); highest among the groups gnomAD compares: Non-Finnish European, 0.26%; 7 homozygotes.

Submissions (3):

CeGaT Center for Human Genetics Tuebingen
Classification: Benign. Last evaluated: 2026-01-01. Review status: criteria provided, single submitter. Criteria: CeGaT Center For Human Genetics Tuebingen Variant Classification Criteria Version 2. Collection method: clinical testing. Allele origin: germline. Affected: yes. Observed: 7 variant alleles.
Comment: YY1: PP2, BS1, BS2

Blueprint Genetics
Classification: Likely benign. Last evaluated: 2024-11-23. Review status: criteria provided, single submitter. Criteria: ACMG Guidelines, 2015. Collection method: clinical testing. Allele origin: germline.

PreventionGenetics, part of Exact Sciences
Classification: Likely benign for YY1-related condition. Last evaluated: 2024-06-26. Review status: no assertion criteria provided. Collection method: clinical testing. Allele origin: germline. Not counted in ClinVar's aggregate classification.
Comment: This variant is classified as likely benign based on ACMG/AMP sequence variant interpretation guidelines (Richards et al. 2015 PMID: 25741868, with internal and published modifications).